The following is an entry in ClinVar:

NM_001206927.2(DNAH8):c.2681G>A (p.Arg894Lys)

Gene: DNAH8 (dynein axonemal heavy chain 8; plus strand). Cytogenetic location: 6p21.2.
Variant type: single nucleotide variant.
Coding change: c.2681G>A on transcript NM_001206927.2 (MANE Select); coding-DNA position 2681, G replaced by A.
Protein change: p.Arg894Lys; replaces arginine 894 with lysine.
Molecular consequence: missense variant.
Genome position (GRCh38, 1-based): chr6:38,790,305, G>A. VCF-style: chr6-38790305-G-A. GRCh37 (hg19) VCF-style: chr6-38758081-G-A.
Other names: c.2030G>A, p.Arg677Lys (NM_001371.4); short protein forms R894K, R677K.
Identifiers: ClinVar variation 2174779 (VCV002174779.4), dbSNP rs752232309, ClinGen allele CA3788594.

ClinVar aggregate classification (germline): Uncertain significance (1 of 4 stars; one submission).

Conditions:
Primary ciliary dyskinesia. Also called: Ciliary dyskinesia. Identifiers: Orphanet 244, MedGen C0008780, MONDO:0016575, HP:0012265.

Allele frequency attached by ClinVar (database versions not stated): ExAC 0.00001; gnomAD exomes 0.00001.
gnomAD v4.1: 8 of 1,605,656 alleles (0.0005%); highest among the groups gnomAD compares: Non-Finnish European, 0.00068%; no homozygotes.

Submission:

Labcorp Genetics (formerly Invitae), Labcorp
Classification: Uncertain significance for Primary ciliary dyskinesia. Last evaluated: 2025-09-15. Review status: criteria provided, single submitter. Criteria: Invitae Variant Classification Sherloc (09022015). Collection method: clinical testing. Allele origin: germline.
Comment: This sequence change replaces arginine, which is basic and polar, with lysine, which is basic and polar, at codon 894 of the DNAH8 protein (p.Arg894Lys). This variant is present in population databases (rs752232309, gnomAD 0.0009%). This variant has not been reported in the literature in individuals affected with DNAH8-related conditions. ClinVar contains an entry for this variant (Variation ID: 2174779). Experimental studies and prediction algorithms are not available or were not evaluated, and the functional significance of this variant is currently unknown. In summary, the available evidence is currently insufficient to determine the role of this variant in disease. Therefore, it has been classified as a Variant of Uncertain Significance.